The following is an entry in ClinVar:

ClinVar aggregate classification (germline): Uncertain significance (1 of 4 stars; one submission).

Allele frequency attached by ClinVar (database versions not stated): ExAC 0.00001; gnomAD exomes 0.00003; gnomAD 0.00005; TOPMed 0.00005.
gnomAD v4.1: 56 of 1,614,026 alleles (0.0035%); highest among the groups gnomAD compares: Non-Finnish European, 0.0044%; no homozygotes.

Submission:

Labcorp Genetics (formerly Invitae), Labcorp
Classification: Uncertain significance. Last evaluated: 2026-01-02. Review status: criteria provided, single submitter. Criteria: Invitae Variant Classification Sherloc (09022015). Collection method: clinical testing. Allele origin: germline.
Comment: This sequence change replaces valine, which is neutral and non-polar, with isoleucine, which is neutral and non-polar, at codon 1036 of the ERBIN protein (p.Val1036Ile). This variant is present in population databases (rs774913262, gnomAD 0.008%). This variant has not been reported in the literature in individuals affected with ERBIN-related conditions. ClinVar contains an entry for this variant (Variation ID: 2199837). An algorithm developed to predict the effect of missense changes on protein structure and function outputs the following: PolyPhen-2: "Benign". The isoleucine amino acid residue is found in multiple mammalian species, which suggests that this missense change does not adversely affect protein function. In summary, the available evidence is currently insufficient to determine the role of this variant in disease. Therefore, it has been classified as a Variant of Uncertain Significance.

NM_001253697.2(ERBIN):c.3106G>A (p.Val1036Ile)

Gene: ERBIN (erbb2 interacting protein; plus strand). Cytogenetic location: 5q12.3.
Variant type: single nucleotide variant.
Coding change: c.3106G>A on transcript NM_001253697.2 (MANE Select); coding-DNA position 3106, G replaced by A.
Protein change: p.Val1036Ile; replaces valine 1036 with isoleucine.
Molecular consequence: missense variant.
Genome position (GRCh38, 1-based): chr5:66,054,424, G>A. VCF-style: chr5-66054424-G-A. GRCh37 (hg19) VCF-style: chr5-65350252-G-A.
Other names: c.3106G>A, p.Val1036Ile (NM_001006600.3, NM_001253698.2, NM_001253699.2 and 1 more transcripts); c.3094G>A, p.Val1032Ile (NM_001253701.2); short protein forms V1036I, V1032I.
Identifiers: ClinVar variation 2199837 (VCV002199837.4), dbSNP rs774913262, ClinGen allele CA3286589.